The following is an entry in ClinVar:

ClinVar aggregate classification (germline): Uncertain significance (1 of 4 stars; one submission).

Submission:

Labcorp Genetics (formerly Invitae), Labcorp
Classification: Uncertain significance. Last evaluated: 2021-10-21. Review status: criteria provided, single submitter. Criteria: Invitae Variant Classification Sherloc (09022015). Collection method: clinical testing. Allele origin: germline.
Comment: In summary, the available evidence is currently insufficient to determine the role of this variant in disease. Therefore, it has been classified as a Variant of Uncertain Significance. Algorithms developed to predict the effect of missense changes on protein structure and function output the following: SIFT: "Tolerated"; PolyPhen-2: "Benign"; Align-GVGD: "Class C0". The aspartic acid amino acid residue is found in multiple mammalian species, which suggests that this missense change does not adversely affect protein function. This variant has not been reported in the literature in individuals affected with FAM161A-related conditions. This variant is not present in population databases (ExAC no frequency). This sequence change replaces asparagine with aspartic acid at codon 65 of the FAM161A protein (p.Asn65Asp). The asparagine residue is weakly conserved and there is a small physicochemical difference between asparagine and aspartic acid.

NM_001201543.2(FAM161A):c.193A>G (p.Asn65Asp)

Gene: FAM161A (FAM161 centrosomal protein A; minus strand). Cytogenetic location: 2p15.
Variant type: single nucleotide variant.
Coding change: c.193A>G on transcript NM_001201543.2 (MANE Select); coding-DNA position 193, A replaced by G.
Protein change: p.Asn65Asp; replaces asparagine 65 with aspartic acid.
Molecular consequence: missense variant. On other transcripts: non-coding transcript variant (1).
Genome position (GRCh38, 1-based): chr2:61,842,351, T>C on the plus strand (A>G on the coding strand, the complement: FAM161A is on the minus strand). VCF-style: chr2-61842351-T-C. GRCh37 (hg19) VCF-style: chr2-62069486-T-C.
Other names: c.193A>G, p.Asn65Asp (NM_032180.3); short protein forms N65D.
Identifiers: ClinVar variation 861591 (VCV000861591.7), dbSNP rs1673049317, ClinGen allele CA346989740.